The following is an entry in ClinVar:

NM_032447.5(FBN3):c.7498G>A (p.Gly2500Arg)

Gene: FBN3 (fibrillin 3; minus strand). Cytogenetic location: 19p13.2.
Variant type: single nucleotide variant.
Coding change: c.7498G>A on transcript NM_032447.5 (MANE Select); coding-DNA position 7498, G replaced by A.
Protein change: p.Gly2500Arg; replaces glycine 2500 with arginine.
Molecular consequence: missense variant.
Genome position (GRCh38, 1-based): chr19:8,075,367, C>T on the plus strand (G>A on the coding strand, the complement: FBN3 is on the minus strand). VCF-style: chr19-8075367-C-T. GRCh37 (hg19) VCF-style: chr19-8140251-C-T.
Other names: c.7498G>A, p.Gly2500Arg (NM_001321431.2); short protein forms G2500R.
Identifiers: ClinVar variation 2559771 (VCV002559771.6), dbSNP rs778056837, ClinGen allele CA9150849.

ClinVar aggregate classification (germline): Uncertain significance. Review status: criteria provided, multiple submitters, no conflicts (2 of 4 stars). 2 submissions from 2 submitters: Uncertain significance (2). Last evaluated 2025-06-24.

Allele frequency attached by ClinVar (database versions not stated): TOPMed below 0.00001; gnomAD 0.00001; gnomAD exomes 0.00001; ExAC 0.00002.
gnomAD v4.1: 11 of 1,614,012 alleles (0.00068%); highest among the groups gnomAD compares: Non-Finnish European, 0.00093%; no homozygotes.

Submissions (2):

Ambry Genetics
Classification: Uncertain significance. Last evaluated: 2025-06-24. Review status: criteria provided, single submitter. Criteria: Ambry Variant Classification Scheme 2023. Collection method: clinical testing. Allele origin: germline.

Labcorp Genetics (formerly Invitae), Labcorp
Classification: Uncertain significance. Last evaluated: 2023-06-04. Review status: criteria provided, single submitter. Criteria: Invitae Variant Classification Sherloc (09022015). Collection method: clinical testing. Allele origin: germline.
Comment: In summary, the available evidence is currently insufficient to determine the role of this variant in disease. Therefore, it has been classified as a Variant of Uncertain Significance. Advanced modeling of protein sequence and biophysical properties (such as structural, functional, and spatial information, amino acid conservation, physicochemical variation, residue mobility, and thermodynamic stability) has been performed at Invitae for this missense variant, however the output from this modeling did not meet the statistical confidence thresholds required to predict the impact of this variant on FBN3 protein function. This variant has not been reported in the literature in individuals affected with FBN3-related conditions. This variant is present in population databases (rs778056837, gnomAD 0.002%). This sequence change replaces glycine, which is neutral and non-polar, with arginine, which is basic and polar, at codon 2500 of the FBN3 protein (p.Gly2500Arg).